The following is an entry in ClinVar:

NM_001083962.2(TCF4):c.1351-15C>T

Genes: TCF4 (transcription factor 4; minus strand), LOC121627832 (Sharpr-MPRA regulatory region 5538; plus strand). Cytogenetic location: 18q21.2.
Variant type: single nucleotide variant.
Coding change: c.1351-15C>T on transcript NM_001083962.2 (MANE Select); 15 bases into the intron before coding-DNA position 1351, C replaced by T.
Molecular consequence: intron variant.
Genome position (GRCh38, 1-based): chr18:55,234,698, G>A on the plus strand (C>T on the coding strand, the complement: TCF4 is on the minus strand). VCF-style: chr18-55234698-G-A. GRCh37 (hg19) VCF-style: chr18-52901929-G-A.
Other names: c.1657-15C>T (NM_001243226.3); c.1276-15C>T (NM_001369584.1, NM_001369576.1, NM_001369577.1 and 6 more transcripts); c.1279-15C>T (NM_001369582.1, NM_001243227.2, NM_001369583.1 and 5 more transcripts); c.1282-15C>T (NM_001369586.1); c.1351-15C>T (NM_001369571.1, NM_001369567.1, NM_001369572.1 and 2 more transcripts); c.1369-15C>T (NM_001243228.2); c.1342-15C>T (NM_001243230.2); c.1348-15C>T (NM_001369569.1, NM_001369573.1, NM_001369570.1 and 2 more transcripts); and 6 more.
Identifiers: ClinVar variation 4847635 (VCV004847635.1).
Genomic context (GRCh38, chr18:55,234,698, plus strand): 5'-AATGGCTGCCTCTCAGGGCCACGCCATCTTCACGATGGGTCCCCACCTGAAAGGGCGAGA[G>A]GAACCAGAGAGGTGAGCAGGAACCGGAGGTGCGACAGCTATTTCCAGAGGCCAAGAGGAC-3'

ClinVar aggregate classification (germline): Likely benign (1 of 4 stars; one submission).

Submission:

Women's Health and Genetics/Laboratory Corporation of America, LabCorp
Classification: Likely benign. Last evaluated: 2026-03-27. Review status: criteria provided, single submitter. Criteria: LabCorp Variant Classification Summary - May 2015. Collection method: clinical testing. Allele origin: germline.
Comment: Variant summary: TCF4 c.1351-15C>T alters a non-conserved nucleotide located at a position not widely known to affect splicing. Consensus agreement among computation tools predict no significant impact on normal splicing. However, these predictions have yet to be confirmed by functional studies. The variant was absent in 251262 control chromosomes. The available data on variant occurrences in the general population are insufficient to allow any conclusion about variant significance. To our knowledge, no occurrence of c.1351-15C>T in individuals affected with TCF4-related conditions and no experimental evidence demonstrating its impact on protein function have been reported. No submitters have cited clinical-significance assessments for this variant to ClinVar. Based on the evidence outlined above, the variant was classified as likely benign.